The following is an entry in ClinVar:

NM_001375567.1(FOCAD):c.1556A>G (p.His519Arg)

Gene: FOCAD (focadhesin; plus strand). Cytogenetic location: 9p21.3.
Variant type: single nucleotide variant.
Coding change: c.1556A>G on transcript NM_001375567.1 (MANE Select); coding-DNA position 1556, A replaced by G.
Protein change: p.His519Arg; replaces histidine 519 with arginine.
Molecular consequence: missense variant. On other transcripts: intron variant (1).
Genome position (GRCh38, 1-based): chr9:20,819,896, A>G. VCF-style: chr9-20819896-A-G. GRCh37 (hg19) VCF-style: chr9-20819895-A-G.
Other names: c.1451A>G, p.His484Arg (NM_001375570.1); c.1556A>G, p.His519Arg (NM_017794.5); c.1456-428A>G (NM_001375568.1); c.1556A>G (NM_017794.3); short protein forms H484R, H519R.
Identifiers: ClinVar variation 3650165 (VCV003650165.3).

ClinVar aggregate classification (germline): Uncertain significance. Review status: criteria provided, multiple submitters, no conflicts (2 of 4 stars). 2 submissions from 2 submitters: Uncertain significance (2). Last evaluated 2025-08-09.

Conditions:
Inborn genetic diseases. Identifiers: MedGen C0950123, MeSH D030342.

gnomAD v4.1: 2 of 1,503,936 alleles (0.00013%); highest among the groups gnomAD compares: Non-Finnish European, 0.00018%; no homozygotes.

Submissions (2):

Ambry Genetics
Classification: Uncertain significance for Inborn genetic diseases. Last evaluated: 2025-08-09. Review status: criteria provided, single submitter. Criteria: Ambry Variant Classification Scheme 2023. Collection method: clinical testing. Allele origin: germline.

Labcorp Genetics (formerly Invitae), Labcorp
Classification: Uncertain significance. Last evaluated: 2024-08-12. Review status: criteria provided, single submitter. Criteria: Invitae Variant Classification Sherloc (09022015). Collection method: clinical testing. Allele origin: germline.
Comment: This sequence change replaces histidine, which is basic and polar, with arginine, which is basic and polar, at codon 519 of the FOCAD protein (p.His519Arg). This variant is present in population databases (rs746203793, gnomAD 0.001%). This variant has not been reported in the literature in individuals affected with FOCAD-related conditions. Experimental studies and prediction algorithms are not available or were not evaluated, and the functional significance of this variant is currently unknown. In summary, the available evidence is currently insufficient to determine the role of this variant in disease. Therefore, it has been classified as a Variant of Uncertain Significance.